The following is an entry in ClinVar:

ClinVar aggregate classification (germline): Uncertain significance (1 of 4 stars; one submission).

Conditions:
Combined immunodeficiency due to STIM1 deficiency. Also called: IMMUNODEFICIENCY 10; STIM1 DEFICIENCY. Identifiers: Orphanet 169090, Orphanet 317430, MedGen C2748557, MONDO:0013008, OMIM 612783.
Stormorken syndrome (STRMK). Also called: THROMBOCYTOPATHY, ASPLENIA, AND MIOSIS. Identifiers: Orphanet 3204, MedGen C1861451, MONDO:0008497, OMIM 185070.
Myopathy with tubular aggregates (TAM). Also called: Tubular Aggregate Myopathy. Identifiers: Orphanet 2593, MedGen C0410207, MONDO:0008051.

Allele frequency attached by ClinVar (database versions not stated): gnomAD exomes below 0.00001.
gnomAD v4.1: 1 of 1,614,126 alleles (0.000062%); highest among the groups gnomAD compares: Non-Finnish European, 0.000085%; no homozygotes.

Submission:

Labcorp Genetics (formerly Invitae), Labcorp
Classification: Uncertain significance for Myopathy with tubular aggregates; Combined immunodeficiency due to STIM1 deficiency; Stormorken syndrome. Last evaluated: 2022-06-04. Review status: criteria provided, single submitter. Criteria: Invitae Variant Classification Sherloc (09022015). Collection method: clinical testing. Allele origin: germline.
Comment: This sequence change replaces histidine, which is basic and polar, with arginine, which is basic and polar, at codon 208 of the STIM1 protein (p.His208Arg). This variant is not present in population databases (gnomAD no frequency). This variant has not been reported in the literature in individuals affected with STIM1-related conditions. ClinVar contains an entry for this variant (Variation ID: 836604). Algorithms developed to predict the effect of missense changes on protein structure and function are either unavailable or do not agree on the potential impact of this missense change (SIFT: "Tolerated"; PolyPhen-2: "Probably Damaging"; Align-GVGD: "Class C0"). In summary, the available evidence is currently insufficient to determine the role of this variant in disease. Therefore, it has been classified as a Variant of Uncertain Significance.

NM_001382567.1(STIM1):c.623A>G (p.His208Arg)

Gene: STIM1 (stromal interaction molecule 1; plus strand). Cytogenetic location: 11p15.4.
Variant type: single nucleotide variant.
Coding change: c.623A>G on transcript NM_001382567.1 (MANE Select); coding-DNA position 623, A replaced by G.
Protein change: p.His208Arg; replaces histidine 208 with arginine.
Molecular consequence: missense variant. On other transcripts: non-coding transcript variant (2).
Genome position (GRCh38, 1-based): chr11:4,070,035, A>G. VCF-style: chr11-4070035-A-G. GRCh37 (hg19) VCF-style: chr11-4091265-A-G.
Other names: c.623A>G, p.His208Arg (NM_001277961.3, NM_001277962.2, NM_001382568.1 and 2 more transcripts); c.401A>G, p.His134Arg (NM_001382566.1, NM_001382573.1, NM_001382574.1 and 5 more transcripts); c.488A>G, p.His163Arg (NM_001382569.1); c.395A>G, p.His132Arg (NM_001382570.1); c.143A>G, p.His48Arg (NM_001382571.1); c.134A>G, p.His45Arg (NM_001382580.1, NM_001382581.1); short protein forms H208R, H132R, H134R, H163R, H45R, H48R.
Identifiers: ClinVar variation 836604 (VCV000836604.10), dbSNP rs2094394104, ClinGen allele CA379485969.
Genomic context (GRCh38, chr11:4,070,035, plus strand): 5'-CTAAGTGTGCAGTGGGCACCCTAACTCATCATGCCCTCCCCTCTCTGGCAGTGACTCGCC[A>G]TAATCACCTCAAGGACTTCATGCTGGTGGTGTCTATCGTTATTGGTGTGGGCGGCTGCTG-3'
Protein context (NP_001369496.1, residues 198-218): VLFGPPLLTR[His208Arg]NHLKDFMLVV